The following is an entry in ClinVar:

ClinVar aggregate classification (germline): Pathogenic/Likely pathogenic. Review status: criteria provided, multiple submitters, no conflicts (2 of 4 stars). 3 submissions from 3 submitters: Pathogenic (1); Likely pathogenic (2). Last evaluated 2025-08-15.

Conditions:
Wilson disease (WND). Also called: Wilson's disease. Identifiers: Orphanet 905, MedGen C0019202, MONDO:0010200, OMIM 277900. Disease mechanism: loss of function.

Submissions (3):

Natera, Inc.
Classification: Likely pathogenic for Wilson disease. Last evaluated: 2025-08-15. Review status: criteria provided, single submitter. Criteria: Natera Variant Classification Schema (03/2026). Collection method: clinical testing. Allele origin: germline.
Comment: The c.3664dup variant in ATP7B is a frameshift variant predicted to shift the reading frame beginning at codon 1222 and leads to a stop codon 37 codons downstream. This variant is expected to result in nonsense mediated decay, truncation, or a dysfunctional protein product. This variant is rare in the general population with a frequency below the threshold expected for the associated phenotype(s). Given the available evidence, this variant is classified as Likely Pathogenic.

Baylor Genetics
Classification: Likely pathogenic for Wilson disease. Last evaluated: 2024-01-04. Review status: criteria provided, single submitter. Criteria: ACMG Guidelines, 2015. Collection method: clinical testing. Allele origin: unknown.

Labcorp Genetics (formerly Invitae), Labcorp
Classification: Pathogenic for Wilson disease. Last evaluated: 2021-03-22. Review status: criteria provided, single submitter. Criteria: Invitae Variant Classification Sherloc (09022015). Collection method: clinical testing. Allele origin: germline.
Comment: For these reasons, this variant has been classified as Pathogenic. This variant has not been reported in the literature in individuals with ATP7B-related conditions. This variant is not present in population databases (ExAC no frequency). This sequence change creates a premature translational stop signal (p.Asp1222Glyfs*37) in the ATP7B gene. It is expected to result in an absent or disrupted protein product. Loss-of-function variants in ATP7B are known to be pathogenic (PMID: 10441329, 16283883).

Literature cited by the submitters: PubMed 10441329 (cited by Labcorp Genetics (formerly Invitae), Labcorp); PubMed 16283883 (cited by Labcorp Genetics (formerly Invitae), Labcorp).

NM_000053.4(ATP7B):c.3664dup (p.Asp1222fs)

Gene: ATP7B (ATPase copper transporting beta; minus strand). Cytogenetic location: 13q14.3.
Variant type: Duplication.
Coding change: c.3664dup on transcript NM_000053.4 (MANE Select); coding-DNA position 3664, one base duplicated (G; older notation c.3664dupG).
Protein change: p.Asp1222fs; shifts the reading frame from aspartic acid 1222.
Molecular consequence: frameshift variant.
Genome position (GRCh38, 1-based): chr13:51,939,086, C duplicated on the plus strand (G on the coding strand, the reverse complement: ATP7B is on the minus strand); the first of 5 consecutive C bases (chr13:51,939,086-51,939,090); duplicating any one gives the same sequence. VCF-style (leftmost placement, unchanged base first): chr13-51939085-T-TC. GRCh37 (hg19) VCF-style: chr13-52513221-T-TC.
Other names: c.3043dup, p.Asp1015fs (NM_001005918.3); c.3331dup, p.Asp1111fs (NM_001243182.2); c.3430dup, p.Asp1144fs (NM_001330578.2); c.3412dup, p.Asp1138fs (NM_001330579.2); c.3664dup (NM_000053.3); short protein forms D1111fs, D1144fs, D1015fs, D1222fs, D1138fs.
Identifiers: ClinVar variation 1415202 (VCV001415202.8), dbSNP rs886042519, ClinGen allele CA2573149700.